The following is an entry in ClinVar:

ClinVar aggregate classification (germline): Conflicting classifications of pathogenicity. Review status: criteria provided, conflicting classifications (1 of 4 stars). 2 submissions from 2 submitters: Uncertain significance (1); Likely benign (1). Last evaluated 2025-02-15.

gnomAD v4.1: 9 of 1,604,650 alleles (0.00056%); highest among the groups gnomAD compares: African/African-American, 0.0094%; no homozygotes.

Submissions (2):

Labcorp Genetics (formerly Invitae), Labcorp
Classification: Uncertain significance. Last evaluated: 2025-02-15. Review status: criteria provided, single submitter. Criteria: Invitae Variant Classification Sherloc (09022015). Collection method: clinical testing. Allele origin: germline.
Comment: This sequence change replaces arginine, which is basic and polar, with proline, which is neutral and non-polar, at codon 66 of the KISS1 protein (p.Arg66Pro). This variant is present in population databases (rs752056340, gnomAD 0.02%). This variant has not been reported in the literature in individuals affected with KISS1-related conditions. ClinVar contains an entry for this variant (Variation ID: 3115175). An algorithm developed to predict the effect of missense changes on protein structure and function outputs the following: PolyPhen-2: "Probably Damaging". The proline amino acid residue is found in multiple mammalian species, which suggests that this missense change does not adversely affect protein function. In summary, the available evidence is currently insufficient to determine the role of this variant in disease. Therefore, it has been classified as a Variant of Uncertain Significance.

Ambry Genetics
Classification: Likely benign. Last evaluated: 2023-12-16. Review status: criteria provided, single submitter. Criteria: Ambry Variant Classification Scheme 2023. Collection method: clinical testing. Allele origin: germline.

NM_002256.4(KISS1):c.197G>C (p.Arg66Pro)

Gene: KISS1 (KiSS-1 metastasis suppressor; minus strand). Cytogenetic location: 1q32.1.
Variant type: single nucleotide variant.
Coding change: c.197G>C on transcript NM_002256.4 (MANE Select); coding-DNA position 197, G replaced by C.
Protein change: p.Arg66Pro; replaces arginine 66 with proline.
Molecular consequence: missense variant.
Genome position (GRCh38, 1-based): chr1:204,190,704, C>G on the plus strand (G>C on the coding strand, the complement: KISS1 is on the minus strand). VCF-style: chr1-204190704-C-G. GRCh37 (hg19) VCF-style: chr1-204159832-C-G.
Other names: short protein forms R66P.
Identifiers: ClinVar variation 3115175 (VCV003115175.2), dbSNP rs752056340, ClinGen allele CA1345174.